The following is an entry in ClinVar:

ClinVar aggregate classification (germline): Uncertain significance (1 of 4 stars; one submission).

Conditions:
Inborn genetic diseases. Identifiers: MedGen C0950123, MeSH D030342.

Allele frequency attached by ClinVar (database versions not stated): gnomAD exomes below 0.00001; ExAC 0.00001; gnomAD 0.00001.
gnomAD v4.1: 4 of 1,612,894 alleles (0.00025%); highest among the groups gnomAD compares: African/African-American, 0.0027%; no homozygotes.

Submission:

Ambry Genetics
Classification: Uncertain significance for Inborn genetic diseases. Last evaluated: 2024-11-16. Review status: criteria provided, single submitter. Criteria: Ambry Variant Classification Scheme 2023. Collection method: clinical testing. Allele origin: germline.
Comment: The p.R1904Q variant (also known as c.5711G>A), located in coding exon 33 of the ATR gene, results from a G to A substitution at nucleotide position 5711. The arginine at codon 1904 is replaced by glutamine, an amino acid with highly similar properties. This amino acid position is conserved. In addition, this alteration is predicted to be deleterious by in silico analysis. Since supporting evidence is limited at this time, the clinical significance of this alteration remains unclear.

NM_001184.4(ATR):c.5711G>A (p.Arg1904Gln)

Gene: ATR (ATR checkpoint kinase; minus strand). Cytogenetic location: 3q23.
Variant type: single nucleotide variant.
Coding change: c.5711G>A on transcript NM_001184.4 (MANE Select); coding-DNA position 5711, G replaced by A.
Protein change: p.Arg1904Gln; replaces arginine 1904 with glutamine.
Molecular consequence: missense variant.
Genome position (GRCh38, 1-based): chr3:142,497,040, C>T on the plus strand (G>A on the coding strand, the complement: ATR is on the minus strand). VCF-style: chr3-142497040-C-T. GRCh37 (hg19) VCF-style: chr3-142215882-C-T.
Other names: c.5519G>A, p.Arg1840Gln (NM_001354579.2); short protein forms R1840Q, R1904Q.
Identifiers: ClinVar variation 1749248 (VCV001749248.3), dbSNP rs777679157, ClinGen allele CA2649565.